The following is an entry in ClinVar:

ClinVar aggregate classification (germline): Uncertain significance (1 of 4 stars; one submission).

Conditions:
Congenital brain dysgenesis due to glutamine synthetase deficiency (GLND). Also called: GLUTAMINE SYNTHASE DEFICIENCY, CONGENITAL SYSTEMIC. Identifiers: Orphanet 71278, MedGen C1864910, MONDO:0012393, OMIM 610015.

gnomAD v4.1: 1 of 1,613,720 alleles (0.000062%); highest among the groups gnomAD compares: African/African-American, 0.0013%; no homozygotes.

Submission:

Labcorp Genetics (formerly Invitae), Labcorp
Classification: Uncertain significance for Congenital brain dysgenesis due to glutamine synthetase deficiency. Last evaluated: 2024-09-29. Review status: criteria provided, single submitter. Criteria: Invitae Variant Classification Sherloc (09022015). Collection method: clinical testing. Allele origin: germline.
Comment: This sequence change replaces phenylalanine, which is neutral and non-polar, with leucine, which is neutral and non-polar, at codon 256 of the GLUL protein (p.Phe256Leu). This variant is present in population databases (no rsID available, gnomAD 0.01%). This variant has not been reported in the literature in individuals affected with GLUL-related conditions. Invitae Evidence Modeling of protein sequence and biophysical properties (such as structural, functional, and spatial information, amino acid conservation, physicochemical variation, residue mobility, and thermodynamic stability) indicates that this missense variant is not expected to disrupt GLUL protein function with a negative predictive value of 80%. In summary, the available evidence is currently insufficient to determine the role of this variant in disease. Therefore, it has been classified as a Variant of Uncertain Significance.

NM_001033044.4(GLUL):c.768C>G (p.Phe256Leu)

Gene: GLUL (glutamate-ammonia ligase; minus strand). Cytogenetic location: 1q25.3.
Variant type: single nucleotide variant.
Coding change: c.768C>G on transcript NM_001033044.4 (MANE Select); coding-DNA position 768, C replaced by G.
Protein change: p.Phe256Leu; replaces phenylalanine 256 with leucine.
Molecular consequence: missense variant.
Genome position (GRCh38, 1-based): chr1:182,385,392, G>C on the plus strand (C>G on the coding strand, the complement: GLUL is on the minus strand). VCF-style: chr1-182385392-G-C. GRCh37 (hg19) VCF-style: chr1-182354527-G-C.
Other names: c.768C>G, p.Phe256Leu (NM_001033056.4, NM_002065.7); short protein forms F256L.
Identifiers: ClinVar variation 3699783 (VCV003699783.2).